The following is an entry in ClinVar:

ClinVar aggregate classification (germline): Uncertain significance (1 of 4 stars; one submission).

Conditions:
Charcot-Marie-Tooth disease type 4. Also called: Charcot-Marie-Tooth, Type 4; Charcot-Marie-Tooth disease, type IV. Identifiers: Orphanet 64749, MedGen C4082197, MONDO:0018995.

Submission:

Labcorp Genetics (formerly Invitae), Labcorp
Classification: Uncertain significance for Charcot-Marie-Tooth disease type 4. Last evaluated: 2024-01-24. Review status: criteria provided, single submitter. Criteria: Invitae Variant Classification Sherloc (09022015). Collection method: clinical testing. Allele origin: germline.
Comment: This sequence change replaces leucine, which is neutral and non-polar, with valine, which is neutral and non-polar, at codon 303 of the MTMR2 protein (p.Leu303Val). This variant is not present in population databases (gnomAD no frequency). This variant has not been reported in the literature in individuals affected with MTMR2-related conditions. ClinVar contains an entry for this variant (Variation ID: 1935133). Advanced modeling of protein sequence and biophysical properties (such as structural, functional, and spatial information, amino acid conservation, physicochemical variation, residue mobility, and thermodynamic stability) performed at Invitae indicates that this missense variant is not expected to disrupt MTMR2 protein function with a negative predictive value of 80%. In summary, the available evidence is currently insufficient to determine the role of this variant in disease. Therefore, it has been classified as a Variant of Uncertain Significance.

NM_016156.6(MTMR2):c.907C>G (p.Leu303Val)

Gene: MTMR2 (myotubularin related protein 2; minus strand). Cytogenetic location: 11q21.
Variant type: single nucleotide variant.
Coding change: c.907C>G on transcript NM_016156.6 (MANE Select); coding-DNA position 907, C replaced by G.
Protein change: p.Leu303Val; replaces leucine 303 with valine.
Molecular consequence: missense variant.
Genome position (GRCh38, 1-based): chr11:95,849,760, G>C on the plus strand (C>G on the coding strand, the complement: MTMR2 is on the minus strand). VCF-style: chr11-95849760-G-C. GRCh37 (hg19) VCF-style: chr11-95582924-G-C.
Other names: c.691C>G, p.Leu231Val (NM_001243571.2, NM_201278.3, NM_201281.3); short protein forms L303V, L231V.
Identifiers: ClinVar variation 1935133 (VCV001935133.5), dbSNP rs2496500210, ClinGen allele CA382425427.